The following is an entry in ClinVar:

NM_033334.4(NR6A1):c.1055C>A (p.Ser352Ter)

Gene: NR6A1 (nuclear receptor subfamily 6 group A member 1; minus strand). Cytogenetic location: 9q33.3.
Variant type: single nucleotide variant.
Coding change: c.1055C>A on transcript NM_033334.4 (MANE Select); coding-DNA position 1055, C replaced by A.
Protein change: p.Ser352Ter; replaces serine 352 with a stop codon.
Molecular consequence: nonsense.
Genome position (GRCh38, 1-based): chr9:124,535,902, G>T on the plus strand (C>A on the coding strand, the complement: NR6A1 is on the minus strand). VCF-style: chr9-124535902-G-T. GRCh37 (hg19) VCF-style: chr9-127298181-G-T.
Other names: c.1043C>A, p.Ser348Ter (NM_001278546.2); c.1052C>A, p.Ser351Ter (NM_001410996.1); c.1040C>A, p.Ser347Ter (NM_001489.5); short protein forms S347*, S352*, S348*, S351*.
Identifiers: ClinVar variation 4728955 (VCV004728955.1).

ClinVar aggregate classification (germline): Pathogenic (1 of 4 stars; one submission).

Submission:

Labcorp Genetics (formerly Invitae), Labcorp
Classification: Pathogenic. Last evaluated: 2025-10-24. Review status: criteria provided, single submitter. Criteria: Invitae Variant Classification Sherloc (09022015). Collection method: clinical testing. Allele origin: germline.
Comment: This sequence change creates a premature translational stop signal (p.Ser352*) in the NR6A1 gene. It is expected to result in an absent or disrupted protein product. Loss-of-function variants in NR6A1 are known to be pathogenic (PMID: 40610405). This variant is not present in population databases (gnomAD no frequency). This variant has not been reported in the literature in individuals affected with NR6A1-related conditions. For these reasons, this variant has been classified as Pathogenic.

Literature cited by the submitters: PubMed 40610405.